The following is an entry in ClinVar:

NM_004415.4(DSP):c.5329_5330dup (p.Glu1778fs)

Gene: DSP (desmoplakin; plus strand). Cytogenetic location: 6p24.3.
Variant type: Microsatellite.
Coding change: c.5329_5330dup on transcript NM_004415.4 (MANE Select); coding-DNA positions 5329 to 5330, 2 bases duplicated (AG; older notation c.5329_5330dupAG).
Protein change: p.Glu1778fs; shifts the reading frame from glutamic acid 1778.
Molecular consequence: frameshift variant. On other transcripts: intron variant (2).
Genome position (GRCh38, 1-based): chr6:7,581,519-7,581,520, AG duplicated; duplicating any 2 consecutive bases within chr6:7,581,511-7,581,520 gives the same sequence; the c. name uses the placement nearest the transcript's 3' end. VCF-style (leftmost placement, unchanged base first): chr6-7581510-C-CAG. GRCh37 (hg19) VCF-style: chr6-7581743-C-CAG.
Other names: c.4051-1131AG[6] (NM_001319034.2); c.3583-1131AG[6] (NM_001008844.3); short protein forms E1778fs.
Identifiers: ClinVar variation 4851437 (VCV004851437.1).

ClinVar aggregate classification (germline): Likely pathogenic (1 of 4 stars; one submission).

Conditions:
Arrhythmogenic right ventricular dysplasia 8 (ARVD8). Also called: Arrhythmogenic Right Ventricular Dysplasia/Cardiomyopathy 8; ARRHYTHMOGENIC RIGHT VENTRICULAR DYSPLASIA, FAMILIAL, 8; ARRHYTHMOGENIC RIGHT VENTRICULAR CARDIOMYOPATHY 8. Identifiers: MedGen C1843896, MONDO:0011831, OMIM 607450.

Submission:

Institute of Immunology and Genetics Kaiserslautern
Classification: Likely pathogenic for Arrhythmogenic right ventricular dysplasia 8. Last evaluated: 2025-10-15. Review status: criteria provided, single submitter. Criteria: ACMG Guidelines, 2015. Collection method: clinical testing. Allele origin: germline. Affected: yes.
Comment: ACMG Criteria: PVS1, PM2; Variant was found in heterozygous state.